The following is an entry in ClinVar:

ClinVar aggregate classification (germline): Uncertain significance (1 of 4 stars; one submission).

Conditions:
Hereditary cancer-predisposing syndrome. Also called: Tumor predisposition; Hereditary Cancer Syndrome; Hereditary neoplastic syndrome; Neoplastic Syndromes, Hereditary. Identifiers: Orphanet 140162, MedGen C0027672, MeSH D009386, MONDO:0015356.

Submission:

Ambry Genetics
Classification: Uncertain significance for Hereditary cancer-predisposing syndrome. Last evaluated: 2024-05-19. Review status: criteria provided, single submitter. Criteria: Ambry Variant Classification Scheme 2023. Collection method: clinical testing. Allele origin: germline.
Comment: The p.P1292L variant (also known as c.3875C>T), located in coding exon 20 of the DICER1 gene, results from a C to T substitution at nucleotide position 3875. The proline at codon 1292 is replaced by leucine, an amino acid with similar properties. This amino acid position is conserved. In addition, this alteration is predicted to be deleterious by in silico analysis. Based on the available evidence, the clinical significance of this variant remains unclear.

NM_177438.3(DICER1):c.3875C>T (p.Pro1292Leu)

Gene: DICER1 (dicer 1, ribonuclease III; minus strand). Cytogenetic location: 14q32.13.
Variant type: single nucleotide variant.
Coding change: c.3875C>T on transcript NM_177438.3 (MANE Select); coding-DNA position 3875, C replaced by T.
Protein change: p.Pro1292Leu; replaces proline 1292 with leucine.
Molecular consequence: missense variant. On other transcripts: non-coding transcript variant (6).
Genome position (GRCh38, 1-based): chr14:95,103,521, G>A on the plus strand (C>T on the coding strand, the complement: DICER1 is on the minus strand). VCF-style: chr14-95103521-G-A. GRCh37 (hg19) VCF-style: chr14-95569858-G-A.
Other names: c.3875C>T, p.Pro1292Leu (NM_001195573.1, NM_001271282.3, NM_001291628.2 and 12 more transcripts); c.3593C>T, p.Pro1198Leu (NM_001395686.1); c.3470C>T, p.Pro1157Leu (NM_001395687.1, NM_001395688.1, NM_001395689.1 and 2 more transcripts); c.3308C>T, p.Pro1103Leu (NM_001395691.1); c.2192C>T, p.Pro731Leu (NM_001395697.1); short protein forms P1198L, P1103L, P1157L, P731L, P1292L.
Identifiers: ClinVar variation 3272026 (VCV003272026.1).